The following is an entry in ClinVar:

ClinVar aggregate classification (germline): Uncertain significance (1 of 4 stars; one submission).

Conditions:
Long QT syndrome (LQTS). Identifiers: MedGen C0023976, MeSH D008133, MONDO:0002442. Disease mechanism: loss of function. Inheritance: Various modes of inheritance.

Submission:

Labcorp Genetics (formerly Invitae), Labcorp
Classification: Uncertain significance for Long QT syndrome. Last evaluated: 2023-01-23. Review status: criteria provided, single submitter. Criteria: Invitae Variant Classification Sherloc (09022015). Collection method: clinical testing. Allele origin: germline.
Comment: This sequence change replaces leucine, which is neutral and non-polar, with proline, which is neutral and non-polar, at codon 3519 of the ANK2 protein (p.Leu3519Pro). This variant is not present in population databases (gnomAD no frequency). This variant has not been reported in the literature in individuals affected with ANK2-related conditions. Algorithms developed to predict the effect of missense changes on protein structure and function are either unavailable or do not agree on the potential impact of this missense change (SIFT: "Tolerated"; PolyPhen-2: "Probably Damaging"; Align-GVGD: "Class C0"). In summary, the available evidence is currently insufficient to determine the role of this variant in disease. Therefore, it has been classified as a Variant of Uncertain Significance.

NM_001148.6(ANK2):c.10556T>C (p.Leu3519Pro)

Gene: ANK2 (ankyrin 2; plus strand). Cytogenetic location: 4q26.
Variant type: single nucleotide variant.
Coding change: c.10556T>C on transcript NM_001148.6 (MANE Select); coding-DNA position 10556, T replaced by C.
Protein change: p.Leu3519Pro; replaces leucine 3519 with proline.
Molecular consequence: missense variant. On other transcripts: intron variant (68).
Genome position (GRCh38, 1-based): chr4:113,359,174, T>C. VCF-style: chr4-113359174-T-C. GRCh37 (hg19) VCF-style: chr4-114280330-T-C.
Other names: c.10697T>C, p.Leu3566Pro (NM_001386174.1); c.10673T>C, p.Leu3558Pro (NM_001386175.1); c.4412-1649T>C (NM_001386186.2, NM_001386148.2); c.4214-1649T>C (NM_001354269.3); c.4292-1649T>C (NM_001386187.2); c.4253-1649T>C (NM_001386147.1); c.4271-1649T>C (NM_001386160.1); c.4376-1649T>C (NM_001354254.2); and 35 more; short protein forms L3558P, L2319P, L3519P, L3441P, L3566P.
Identifiers: ClinVar variation 2831258 (VCV002831258.3), dbSNP rs2506058227, ClinGen allele CA357940685.